The following is an entry in ClinVar:

ClinVar aggregate classification (germline): Uncertain significance (1 of 4 stars; one submission).

Conditions:
Fucosidosis. Also called: ALPHA-L-FUCOSIDASE DEFICIENCY. Identifiers: Orphanet 349, MedGen C0016788, MONDO:0009254, OMIM 230000.

Allele frequency attached by ClinVar (database versions not stated): TOPMed below 0.00001; gnomAD exomes 0.00001; ExAC 0.00002.
gnomAD v4.1: 6 of 1,614,166 alleles (0.00037%); highest among the groups gnomAD compares: Admixed American, 0.01%; no homozygotes.

Submission:

Labcorp Genetics (formerly Invitae), Labcorp
Classification: Uncertain significance for Fucosidosis. Last evaluated: 2024-12-02. Review status: criteria provided, single submitter. Criteria: Invitae Variant Classification Sherloc (09022015). Collection method: clinical testing. Allele origin: germline.
Comment: This sequence change replaces leucine, which is neutral and non-polar, with tryptophan, which is neutral and slightly polar, at codon 288 of the FUCA1 protein (p.Leu288Trp). This variant is present in population databases (rs758328076, gnomAD 0.02%). This variant has not been reported in the literature in individuals affected with FUCA1-related conditions. ClinVar contains an entry for this variant (Variation ID: 2150907). Invitae Evidence Modeling of protein sequence and biophysical properties (such as structural, functional, and spatial information, amino acid conservation, physicochemical variation, residue mobility, and thermodynamic stability) has been performed for this missense variant. However, the output from this modeling did not meet the statistical confidence thresholds required to predict the impact of this variant on FUCA1 protein function. In summary, the available evidence is currently insufficient to determine the role of this variant in disease. Therefore, it has been classified as a Variant of Uncertain Significance.

NM_000147.5(FUCA1):c.863T>G (p.Leu288Trp)

Gene: FUCA1 (alpha-L-fucosidase 1; minus strand). Cytogenetic location: 1p36.11.
Variant type: single nucleotide variant.
Coding change: c.863T>G on transcript NM_000147.5 (MANE Select); coding-DNA position 863, T replaced by G.
Protein change: p.Leu288Trp; replaces leucine 288 with tryptophan.
Molecular consequence: missense variant. On other transcripts: non-coding transcript variant (4).
Genome position (GRCh38, 1-based): chr1:23,854,466, A>C on the plus strand (T>G on the coding strand, the complement: FUCA1 is on the minus strand). VCF-style: chr1-23854466-A-C. GRCh37 (hg19) VCF-style: chr1-24180956-A-C.
Other names: short protein forms L288W.
Identifiers: ClinVar variation 2150907 (VCV002150907.3), dbSNP rs758328076, ClinGen allele CA686438.